The following is an entry in ClinVar:

ClinVar aggregate classification (germline): Conflicting classifications of pathogenicity. Review status: criteria provided, conflicting classifications (1 of 4 stars). 7 submissions from 6 submitters: Uncertain significance (2); Likely benign (4). 1 of the submissions does not count toward it. Last evaluated 2026-04-01.

Conditions:
Inborn genetic diseases. Identifiers: MedGen C0950123, MeSH D030342.
Hydrocephalus (HYC). Identifiers: MedGen C0020255, MONDO:0001150, HP:0000238.
CCDC88C-related disorder. Also called: CCDC88C-related condition; CCDC88C-Related Disorders.
Spinocerebellar ataxia type 40. Identifiers: Orphanet 423275, MedGen C4518336, MONDO:0014475, OMIM 616053.

Allele frequency attached by ClinVar (database versions not stated): gnomAD 0.00150 and 0.00157; TOPMed 0.00153; 1000 Genomes Project 0.00160; 1000 Genomes Project 30x 0.00203; ESP Exome Variant Server 0.00231.
gnomAD v4.1: 3,059 of 1,587,506 alleles (0.19%); highest among the groups gnomAD compares: Non-Finnish European, 0.23%; 9 homozygotes.

Submissions (7):

CeGaT Center for Human Genetics Tuebingen
Classification: Likely benign. Last evaluated: 2026-04-01. Review status: criteria provided, single submitter. Criteria: CeGaT Center For Human Genetics Tuebingen Variant Classification Criteria Version 2. Collection method: clinical testing. Allele origin: germline. Affected: yes. Observed: 2 variant alleles.
Comment: CCDC88C: BP4, BS2

Labcorp Genetics (formerly Invitae), Labcorp
Classification: Likely benign. Last evaluated: 2026-01-27. Review status: criteria provided, single submitter. Criteria: Invitae Variant Classification Sherloc (09022015). Collection method: clinical testing. Allele origin: germline.

Blueprint Genetics
Classification: Likely benign. Last evaluated: 2024-11-27. Review status: criteria provided, single submitter. Criteria: ACMG Guidelines, 2015. Collection method: clinical testing. Allele origin: germline.

Ambry Genetics
Classification: Likely benign for Inborn genetic diseases. Last evaluated: 2021-10-22. Review status: criteria provided, single submitter. Criteria: Ambry Variant Classification Scheme 2023. Collection method: clinical testing. Allele origin: germline.

Genomic Research Center, Shahid Beheshti University of Medical Sciences
Classification: Uncertain significance for Hydrocephalus. Last evaluated: 2018-08-07. Review status: criteria provided, single submitter. Criteria: ACMG Guidelines, 2015. Collection method: clinical testing. Allele origin: inherited. Affected: yes. Observed: 1 variant allele.

Genomic Research Center, Shahid Beheshti University of Medical Sciences
Classification: Uncertain significance for Spinocerebellar ataxia 40. Last evaluated: 2018-08-07. Review status: criteria provided, single submitter. Criteria: ACMG Guidelines, 2015. Collection method: clinical testing. Allele origin: inherited. Affected: yes. Observed: 1 variant allele.

PreventionGenetics, part of Exact Sciences
Classification: Likely benign for CCDC88C-related condition. Last evaluated: 2022-06-22. Review status: no assertion criteria provided. Collection method: clinical testing. Allele origin: germline. Not counted in ClinVar's aggregate classification.
Comment: This variant is classified as likely benign based on ACMG/AMP sequence variant interpretation guidelines (Richards et al. 2015 PMID: 25741868, with internal and published modifications).

NM_001080414.4(CCDC88C):c.5251G>A (p.Val1751Ile)

Gene: CCDC88C (coiled-coil and HOOK domain protein 88C; minus strand). Cytogenetic location: 14q32.11.
Variant type: single nucleotide variant.
Coding change: c.5251G>A on transcript NM_001080414.4 (MANE Select); coding-DNA position 5251, G replaced by A.
Protein change: p.Val1751Ile; replaces valine 1751 with isoleucine.
Molecular consequence: missense variant.
Genome position (GRCh38, 1-based): chr14:91,273,461, C>T on the plus strand (G>A on the coding strand, the complement: CCDC88C is on the minus strand). VCF-style: chr14-91273461-C-T. GRCh37 (hg19) VCF-style: chr14-91739805-C-T.
Other names: short protein forms V1751I.
Identifiers: ClinVar variation 587642 (VCV000587642.53), dbSNP rs142295786, ClinGen allele CA7308688.